The following is an entry in ClinVar:

NM_000338.3(SLC12A1):c.2402+2T>A

Gene: SLC12A1 (solute carrier family 12 member 1; plus strand). Cytogenetic location: 15q21.1.
Variant type: single nucleotide variant.
Coding change: c.2402+2T>A on transcript NM_000338.3 (MANE Select); the canonical splice donor site of the intron after coding-DNA position 2402, T replaced by A.
Molecular consequence: splice donor variant.
Genome position (GRCh38, 1-based): chr15:48,269,766, T>A. VCF-style: chr15-48269766-T-A. GRCh37 (hg19) VCF-style: chr15-48561963-T-A.
Other names: c.2402+2T>A (NM_001184832.2, NM_001384136.1).
Identifiers: ClinVar variation 3577313 (VCV003577313.3).

ClinVar aggregate classification (germline): Likely pathogenic. Review status: criteria provided, multiple submitters, no conflicts (2 of 4 stars). 2 submissions from 2 submitters: Likely pathogenic (2). Last evaluated 2024-02-24.

Conditions:
Bartter disease type 1. Also called: HYPERPROSTAGLANDIN E SYNDROME 1; HYPOKALEMIC ALKALOSIS WITH HYPERCALCIURIA 1, ANTENATAL; Bartter Syndrome type 1; Bartter syndrome, type 1, antenatal. Identifiers: Orphanet 112, Orphanet 620217, MedGen C1866495, MONDO:0100344, OMIM 601678, MONDO:0011127.

gnomAD v4.1: 27 of 1,524,262 alleles (0.0018%); highest among the groups gnomAD compares: Non-Finnish European, 0.0025%; no homozygotes.

Submissions (2):

Labcorp Genetics (formerly Invitae), Labcorp
Classification: Likely pathogenic. Last evaluated: 2024-02-24. Review status: criteria provided, single submitter. Criteria: Invitae Variant Classification Sherloc (09022015). Collection method: clinical testing. Allele origin: germline.
Comment: This sequence change affects a donor splice site in intron 19 of the SLC12A1 gene. It is expected to disrupt RNA splicing. Variants that disrupt the donor or acceptor splice site typically lead to a loss of protein function (PMID: 16199547), and loss-of-function variants in SLC12A1 are known to be pathogenic (PMID: 8640224, 9585600, 19096086). This variant is present in population databases (rs762234872, gnomAD 0.002%). This variant has not been reported in the literature in individuals affected with SLC12A1-related conditions. Algorithms developed to predict the effect of sequence changes on RNA splicing suggest that this variant may disrupt the consensus splice site. In summary, the currently available evidence indicates that the variant is pathogenic, but additional data are needed to prove that conclusively. Therefore, this variant has been classified as Likely Pathogenic.

Fulgent Genetics
Classification: Likely pathogenic for Bartter disease type 1. Last evaluated: 2024-01-23. Review status: criteria provided, single submitter. Criteria: ACMG Guidelines, 2015. Collection method: clinical testing. Allele origin: germline.

Literature cited by the submitters: PubMed 16199547 (cited by Labcorp Genetics (formerly Invitae), Labcorp); PubMed 8640224 (cited by Labcorp Genetics (formerly Invitae), Labcorp); PubMed 9585600 (cited by Labcorp Genetics (formerly Invitae), Labcorp); PubMed 19096086 (cited by Labcorp Genetics (formerly Invitae), Labcorp).